The following is an entry in ClinVar:

NM_001360.3(DHCR7):c.*480C>T

Gene: DHCR7 (7-dehydrocholesterol reductase; minus strand). Cytogenetic location: 11q13.4.
Variant type: single nucleotide variant.
Coding change: c.*480C>T on transcript NM_001360.3 (MANE Select); 480 bases downstream of the stop codon, C replaced by T.
Molecular consequence: 3 prime UTR variant.
Genome position (GRCh38, 1-based): chr11:71,434,895, G>A on the plus strand (C>T on the coding strand, the complement: DHCR7 is on the minus strand). VCF-style: chr11-71434895-G-A. GRCh37 (hg19) VCF-style: chr11-71145941-G-A.
Other names: c.*480C>T (NM_001163817.2).
Identifiers: ClinVar variation 305941 (VCV000305941.6), dbSNP rs1790345, ClinGen allele CA10640019.

ClinVar aggregate classification (germline): Benign. Review status: criteria provided, multiple submitters, no conflicts (2 of 4 stars). 2 submissions from 2 submitters: Benign (2). Last evaluated 2018-01-12.

Conditions:
Smith-Lemli-Opitz syndrome (SLOS). Also called: LETHAL ACRODYSGENITAL SYNDROME; POLYDACTYLY, SEX REVERSAL, RENAL HYPOPLASIA, AND UNILOBAR LUNG; RSH SYNDROME; RUTLEDGE LETHAL MULTIPLE CONGENITAL ANOMALY SYNDROME; 7-Dehydrocholesterol reductase deficiency. Identifiers: Orphanet 818, MedGen C0175694, MONDO:0010035, OMIM 270400.

Allele frequency attached by ClinVar (database versions not stated): TOPMed 0.27425; gnomAD 0.28111 and 0.28583; gnomAD exomes 0.29578; 1000 Genomes Project 30x 0.34994; 1000 Genomes Project 0.35942.
gnomAD v4.1: 103,545 of 355,294 alleles (29%); highest among the groups gnomAD compares: South Asian, 47%; 16,816 homozygotes.

Submissions (2):

Illumina Laboratory Services, Illumina
Classification: Benign for Smith-Lemli-Opitz syndrome. Last evaluated: 2018-01-12. Review status: criteria provided, single submitter. Criteria: ICSL Variant Classification Criteria 13 December 2019. Collection method: clinical testing. Allele origin: germline.
Comment: This variant was observed in the ICSL laboratory as part of a predisposition screen in an ostensibly healthy population. It had not been previously curated by ICSL or reported in the Human Gene Mutation Database (HGMD: prior to June 1st, 2018), and was therefore a candidate for classification through an automated scoring system. Utilizing variant allele frequency, disease prevalence and penetrance estimates, and inheritance mode, an automated score was calculated to assess if this variant is too frequent to cause the disease. Based on the score and internal cut-off values, a variant classified as benign is not then subjected to further curation. The score for this variant resulted in a classification of benign for this disease.

Breakthrough Genomics
Classification: Benign. Review status: criteria provided, single submitter. Criteria: ACMG Guidelines, 2015. Collection method: not provided. Allele origin: germline. Inheritance: Autosomal recessive inheritance. Affected: yes.